The following is an entry in ClinVar:

NM_022089.4(ATP13A2):c.1306+5G>A

Gene: ATP13A2 (ATPase cation transporting 13A2; minus strand). Cytogenetic location: 1p36.13.
Variant type: single nucleotide variant.
Coding change: c.1306+5G>A on transcript NM_022089.4 (MANE Select); 5 bases into the intron after coding-DNA position 1306, G replaced by A.
Molecular consequence: intron variant.
Genome position (GRCh38, 1-based): chr1:16,996,381, C>T on the plus strand (G>A on the coding strand, the complement: ATP13A2 is on the minus strand). VCF-style: chr1-16996381-C-T. GRCh37 (hg19) VCF-style: chr1-17322876-C-T.
Other names: IVS13, G-A, +5; c.1291+5G>A (NM_001141974.3, NM_001141973.3).
Identifiers: ClinVar variation 1219 (VCV000001219.8), dbSNP rs786205056, ClinGen allele CA251715.

ClinVar aggregate classification (germline): Pathogenic/Likely pathogenic. Review status: criteria provided, multiple submitters, no conflicts (2 of 4 stars). 3 submissions from 3 submitters: Pathogenic (1); Likely pathogenic (1). 1 of the submissions does not count toward it. Last evaluated 2024-03-21.

Conditions:
Autosomal recessive spastic paraplegia type 78. Identifiers: Orphanet 513436, MedGen C5567893, MONDO:0014975, OMIM 617225.
Kufor-Rakeb syndrome (KRS). Also called: PARKINSON DISEASE 9, AUTOSOMAL RECESSIVE, JUVENILE-ONSET. Identifiers: Orphanet 306674, Orphanet 314632, MedGen C1847640, MONDO:0011706, OMIM 606693.

Submissions (3):

Labcorp Genetics (formerly Invitae), Labcorp
Classification: Pathogenic for Kufor-Rakeb syndrome; Autosomal recessive spastic paraplegia type 78. Last evaluated: 2024-03-21. Review status: criteria provided, single submitter. Criteria: Invitae Variant Classification Sherloc (09022015). Collection method: clinical testing. Allele origin: germline.
Comment: This sequence change falls in intron 13 of the ATP13A2 gene. It does not directly change the encoded amino acid sequence of the ATP13A2 protein. RNA analysis indicates that this variant induces altered splicing and likely results in a shortened protein product. This variant is not present in population databases (gnomAD no frequency). This variant has been observed in individual(s) with clinical features of autosomal recessive Kufor-Rakeb syndrome (PMID: 16964263). It has also been observed to segregate with disease in related individuals. This variant is also known as ATP13A2SKP13. ClinVar contains an entry for this variant (Variation ID: 1219). Algorithms developed to predict the effect of variants on protein structure and function are not available or were not evaluated for this variant. Experimental studies have shown that this variant affects ATP13A2 function (PMID: 21724849, 23499937). Variants that disrupt the consensus splice site are a relatively common cause of aberrant splicing (PMID: 17576681, 9536098). Studies have shown that this variant results in skipping of exon 13, but is expected to preserve the integrity of the reading-frame (PMID: 16964263). For these reasons, this variant has been classified as Pathogenic.

GeneDx
Classification: Likely pathogenic. Last evaluated: 2024-01-25. Review status: criteria provided, single submitter. Criteria: GeneDx Variant Classification Process June 2021. Collection method: clinical testing. Allele origin: germline. Affected: yes.
Comment: Published functional studies suggest a damaging effect, with exon skipping of in-frame exon 13 (PMID: 16964263); Not observed at significant frequency in large population cohorts (gnomAD); In silico analysis supports a deleterious effect on splicing; This variant is associated with the following publications: (PMID: 25525159, 21724849, 23499937, 22296644, 16964263, 21696388)

OMIM
Classification: Pathogenic for KUFOR-RAKEB SYNDROME. Last evaluated: 2011-08-26. Review status: no assertion criteria provided. Collection method: literature only. Allele origin: germline. Not counted in ClinVar's aggregate classification.

Literature cited by the submitters: PubMed 16964263 (cited by Labcorp Genetics (formerly Invitae), Labcorp and OMIM); PubMed 21724849 (cited by Labcorp Genetics (formerly Invitae), Labcorp and OMIM); PubMed 23499937 (cited by Labcorp Genetics (formerly Invitae), Labcorp); PubMed 17576681 (cited by Labcorp Genetics (formerly Invitae), Labcorp); PubMed 9536098 (cited by Labcorp Genetics (formerly Invitae), Labcorp).